The following is an entry in ClinVar:

ClinVar aggregate classification (germline): Uncertain significance. Review status: criteria provided, multiple submitters, no conflicts (2 of 4 stars). 4 submissions from 4 submitters: Uncertain significance (4). Last evaluated 2024-04-22.

Conditions:
Hypertrophic cardiomyopathy 1 (CMH1). Also called: MYH7-Related Familial Hypertrophic Cardiomyopathy; Familial hypertrophic cardiomyopathy 1. Identifiers: MedGen C3495498, MONDO:0008647, OMIM 192600.

Allele frequency attached by ClinVar (database versions not stated): gnomAD 0.00002; gnomAD exomes 0.00002; ExAC 0.00003; TOPMed 0.00005.
gnomAD v4.1: 33 of 1,612,532 alleles (0.002%); highest among the groups gnomAD compares: East Asian, 0.031%; no homozygotes.

Submissions (4):

Labcorp Genetics (formerly Invitae), Labcorp
Classification: Uncertain significance for Hypertrophic cardiomyopathy 1. Last evaluated: 2024-04-22. Review status: criteria provided, single submitter. Criteria: Invitae Variant Classification Sherloc (09022015). Collection method: clinical testing. Allele origin: germline.
Comment: This sequence change replaces alanine, which is neutral and non-polar, with valine, which is neutral and non-polar, at codon 102 of the MYLK2 protein (p.Ala102Val). This variant is present in population databases (rs763316056, gnomAD 0.02%). This variant has not been reported in the literature in individuals affected with MYLK2-related conditions. ClinVar contains an entry for this variant (Variation ID: 1057316). Advanced modeling of protein sequence and biophysical properties (such as structural, functional, and spatial information, amino acid conservation, physicochemical variation, residue mobility, and thermodynamic stability) performed at Invitae indicates that this missense variant is not expected to disrupt MYLK2 protein function with a negative predictive value of 80%. In summary, the available evidence is currently insufficient to determine the role of this variant in disease. Therefore, it has been classified as a Variant of Uncertain Significance.

GeneDx
Classification: Uncertain significance. Last evaluated: 2023-05-30. Review status: criteria provided, single submitter. Criteria: GeneDx Variant Classification Process June 2021. Collection method: clinical testing. Allele origin: germline. Affected: yes.
Comment: Not observed at significant frequency in large population cohorts (gnomAD); In silico analysis supports that this missense variant does not alter protein structure/function; Has not been previously published as pathogenic or benign to our knowledge

Ambry Genetics
Classification: Uncertain significance. Last evaluated: 2023-02-02. Review status: criteria provided, single submitter. Criteria: Ambry Variant Classification Scheme 2023. Collection method: clinical testing. Allele origin: germline.
Comment: The p.A102V variant (also known as c.305C>T), located in coding exon 2 of the MYLK2 gene, results from a C to T substitution at nucleotide position 305. The alanine at codon 102 is replaced by valine, an amino acid with similar properties. This amino acid position is conserved. In addition, this alteration is predicted to be tolerated by in silico analysis. Since supporting evidence is limited at this time, the clinical significance of this alteration remains unclear.

Fulgent Genetics
Classification: Uncertain significance for Hypertrophic cardiomyopathy 1. Last evaluated: 2021-10-12. Review status: criteria provided, single submitter. Criteria: ACMG Guidelines, 2015. Collection method: clinical testing. Allele origin: unknown.

NM_033118.4(MYLK2):c.305C>T (p.Ala102Val)

Gene: MYLK2 (myosin light chain kinase 2; plus strand). Cytogenetic location: 20q11.21.
Variant type: single nucleotide variant.
Coding change: c.305C>T on transcript NM_033118.4 (MANE Select); coding-DNA position 305, C replaced by T.
Protein change: p.Ala102Val; replaces alanine 102 with valine.
Molecular consequence: missense variant.
Genome position (GRCh38, 1-based): chr20:31,820,378, C>T. VCF-style: chr20-31820378-C-T. GRCh37 (hg19) VCF-style: chr20-30408181-C-T.
Other names: c.305C>T (NM_033118.3); short protein forms A102V.
Identifiers: ClinVar variation 1057316 (VCV001057316.13), dbSNP rs763316056, ClinGen allele CA9802890.